The following is an entry in ClinVar:

ClinVar aggregate classification (germline): Uncertain significance (1 of 4 stars; one submission).

Conditions:
Muscle AMP deaminase deficiency (MMDD). Also called: AMPD1 DEFICIENCY; Myoadenylate deaminase deficiency, myopathy due to; Adenosine monophosphate deaminase 1 deficiency; AMP deaminase 1 deficiency; Adenosine Monophosphate Deaminase 1; ADENOSINE MONOPHOSPHATE DEAMINASE-1 DEFICIENCY, MYOPATHY DUE TO. Identifiers: Orphanet 45, MedGen C3714933, MONDO:0014220, OMIM 615511.

Allele frequency attached by ClinVar (database versions not stated): ExAC 0.00001; gnomAD 0.00001; 1000 Genomes Project 30x 0.00016; 1000 Genomes Project 0.00020.
gnomAD v4.1: 9 of 1,614,102 alleles (0.00056%); highest among the groups gnomAD compares: African/African-American, 0.0013%; no homozygotes.

Submission:

Labcorp Genetics (formerly Invitae), Labcorp
Classification: Uncertain significance for Muscle AMP deaminase deficiency. Last evaluated: 2022-04-23. Review status: criteria provided, single submitter. Criteria: Invitae Variant Classification Sherloc (09022015). Collection method: clinical testing. Allele origin: germline.
Comment: In summary, the available evidence is currently insufficient to determine the role of this variant in disease. Therefore, it has been classified as a Variant of Uncertain Significance. Algorithms developed to predict the effect of sequence changes on RNA splicing suggest that this variant may disrupt the consensus splice site. This sequence change replaces glutamic acid, which is acidic and polar, with glutamine, which is neutral and polar, at codon 134 of the AMPD1 protein (p.Glu134Gln). This variant is present in population databases (rs189060095, gnomAD 0.007%). This variant has not been reported in the literature in individuals affected with AMPD1-related conditions. Algorithms developed to predict the effect of missense changes on protein structure and function (SIFT, PolyPhen-2, Align-GVGD) all suggest that this variant is likely to be tolerated.

NM_000036.3(AMPD1):c.301G>C (p.Glu101Gln)

Gene: AMPD1 (adenosine monophosphate deaminase 1; minus strand). Cytogenetic location: 1p13.2.
Variant type: single nucleotide variant.
Coding change: c.301G>C on transcript NM_000036.3 (MANE Select); coding-DNA position 301, G replaced by C.
Protein change: p.Glu101Gln; replaces glutamic acid 101 with glutamine.
Molecular consequence: missense variant.
Genome position (GRCh38, 1-based): chr1:114,686,825, C>G on the plus strand (G>C on the coding strand, the complement: AMPD1 is on the minus strand). VCF-style: chr1-114686825-C-G. GRCh37 (hg19) VCF-style: chr1-115229446-C-G.
Other names: c.289G>C, p.Glu97Gln (NM_001172626.2); short protein forms E97Q, E101Q.
Identifiers: ClinVar variation 1986434 (VCV001986434.4), dbSNP rs189060095, ClinGen allele CA1020471.